The following is an entry in ClinVar:

ClinVar aggregate classification (germline): Uncertain significance. Review status: criteria provided, multiple submitters, no conflicts (2 of 4 stars). 2 submissions from 2 submitters: Uncertain significance (2). Last evaluated 2025-08-02.

Conditions:
Hereditary cancer-predisposing syndrome. Also called: Hereditary neoplastic syndrome; Tumor predisposition; Hereditary Cancer Syndrome; Neoplastic Syndromes, Hereditary. Identifiers: Orphanet 140162, MedGen C0027672, MeSH D009386, MONDO:0015356.
Oligodontia-cancer predisposition syndrome. Also called: TOOTH AGENESIS-COLORECTAL CANCER SYNDROME. Identifiers: Orphanet 300576, MedGen C1837750, MONDO:0012075, OMIM 608615. Disease mechanism: loss of function.

gnomAD v4.1: 4 of 1,585,168 alleles (0.00025%); highest among the groups gnomAD compares: Non-Finnish European, 0.00034%; no homozygotes.

Submissions (2):

Ambry Genetics
Classification: Uncertain significance for Hereditary cancer-predisposing syndrome. Last evaluated: 2025-08-02. Review status: criteria provided, single submitter. Criteria: Ambry Variant Classification Scheme 2023. Collection method: clinical testing. Allele origin: germline.
Comment: The p.S424C variant (also known as c.1271C>G), located in coding exon 5 of the AXIN2 gene, results from a C to G substitution at nucleotide position 1271. The serine at codon 424 is replaced by cysteine, an amino acid with dissimilar properties. This amino acid position is conserved. In addition, this alteration is predicted to be tolerated by in silico analysis. Based on the available evidence, the clinical significance of this variant remains unclear.

Labcorp Genetics (formerly Invitae), Labcorp
Classification: Uncertain significance for Oligodontia-cancer predisposition syndrome. Last evaluated: 2024-11-19. Review status: criteria provided, single submitter. Criteria: Invitae Variant Classification Sherloc (09022015). Collection method: clinical testing. Allele origin: germline.
Comment: This sequence change replaces serine, which is neutral and polar, with cysteine, which is neutral and slightly polar, at codon 424 of the AXIN2 protein (p.Ser424Cys). This variant is not present in population databases (gnomAD no frequency). This variant has not been reported in the literature in individuals affected with AXIN2-related conditions. Invitae Evidence Modeling of protein sequence and biophysical properties (such as structural, functional, and spatial information, amino acid conservation, physicochemical variation, residue mobility, and thermodynamic stability) indicates that this missense variant is not expected to disrupt AXIN2 protein function with a negative predictive value of 80%. In summary, the available evidence is currently insufficient to determine the role of this variant in disease. Therefore, it has been classified as a Variant of Uncertain Significance.

NM_004655.4(AXIN2):c.1271C>G (p.Ser424Cys)

Gene: AXIN2 (axin 2; minus strand). Cytogenetic location: 17q24.1.
Variant type: single nucleotide variant.
Coding change: c.1271C>G on transcript NM_004655.4 (MANE Select); coding-DNA position 1271, C replaced by G.
Protein change: p.Ser424Cys; replaces serine 424 with cysteine.
Molecular consequence: missense variant.
Genome position (GRCh38, 1-based): chr17:65,537,765, G>C on the plus strand (C>G on the coding strand, the complement: AXIN2 is on the minus strand). VCF-style: chr17-65537765-G-C. GRCh37 (hg19) VCF-style: chr17-63533883-G-C.
Other names: c.1271C>G, p.Ser424Cys (NM_001363813.1); short protein forms S424C.
Identifiers: ClinVar variation 3707009 (VCV003707009.3).